The following is an entry in ClinVar:

ClinVar aggregate classification (germline): Uncertain significance. Review status: criteria provided, multiple submitters, no conflicts (2 of 4 stars). 5 submissions from 4 submitters: Uncertain significance (5). Last evaluated 2024-01-01.

Conditions:
Fibromatosis, gingival, 1 (GINGF1). Identifiers: Orphanet 2024, MedGen C4551558, MONDO:0007609, OMIM 135300.
Noonan syndrome 4 (NS4). Also called: SOS1-Related Noonan Syndrome; NOONAN SYNDROME WITH PIGMENTED VILLONODULAR SYNOVITIS. Identifiers: Orphanet 648, MedGen C1853120, MONDO:0012547, OMIM 610733.
Cardiovascular phenotype. Identifiers: MedGen CN230736.
RASopathy. Also called: rasopathies; Noonan spectrum disorder. Identifiers: Orphanet 536391, MedGen C5555857, MONDO:0021060.

Allele frequency attached by ClinVar (database versions not stated): ExAC 0.00001; gnomAD exomes 0.00001; gnomAD 0.00002; TOPMed 0.00002.

Submissions (5):

CeGaT Center for Human Genetics Tuebingen
Classification: Uncertain significance. Last evaluated: 2024-01-01. Review status: criteria provided, single submitter. Criteria: CeGaT Center For Human Genetics Tuebingen Variant Classification Criteria Version 2. Collection method: clinical testing. Allele origin: germline. Affected: yes. Observed: 1 variant allele.

Labcorp Genetics (formerly Invitae), Labcorp
Classification: Uncertain significance for RASopathy. Last evaluated: 2020-12-04. Review status: criteria provided, single submitter. Criteria: Invitae Variant Classification Sherloc (09022015). Collection method: clinical testing. Allele origin: germline.
Comment: In summary, the available evidence is currently insufficient to determine the role of this variant in disease. Therefore, it has been classified as a Variant of Uncertain Significance. Algorithms developed to predict the effect of missense changes on protein structure and function are either unavailable or do not agree on the potential impact of this missense change (SIFT: "Deleterious"; PolyPhen-2: "Probably Damaging"; Align-GVGD: "Class C0"). This variant has been observed in individual(s) with clinical features of Noonan syndrome (Invitae). This variant is present in population databases (rs756406841, ExAC 0.01%). This sequence change replaces proline with alanine at codon 1168 of the SOS1 protein (p.Pro1168Ala). The proline residue is highly conserved and there is a small physicochemical difference between proline and alanine.

Ambry Genetics
Classification: Uncertain significance for Cardiovascular phenotype. Last evaluated: 2020-02-28. Review status: criteria provided, single submitter. Criteria: Ambry Variant Classification Scheme 2023. Collection method: clinical testing. Allele origin: germline.
Comment: The p.P1168A variant (also known as c.3502C>G), located in coding exon 22 of the SOS1 gene, results from a C to G substitution at nucleotide position 3502. The proline at codon 1168 is replaced by alanine, an amino acid with highly similar properties. This amino acid position is highly conserved in available vertebrate species. In addition, the in silico prediction for this alteration is inconclusive. Since supporting evidence is limited at this time, the clinical significance of this alteration remains unclear.

Genome-Nilou Lab
Classification: Uncertain significance for Fibromatosis, gingival, 1. Review status: criteria provided, single submitter. Criteria: ACMG Guidelines, 2015. Collection method: clinical testing. Allele origin: germline.

Genome-Nilou Lab
Classification: Uncertain significance for Noonan syndrome 4. Review status: criteria provided, single submitter. Criteria: ACMG Guidelines, 2015. Collection method: clinical testing. Allele origin: germline.

NM_005633.4(SOS1):c.3502C>G (p.Pro1168Ala)

Gene: SOS1 (SOS Ras/Rac guanine nucleotide exchange factor 1; minus strand). Cytogenetic location: 2p22.1.
Variant type: single nucleotide variant.
Coding change: c.3502C>G on transcript NM_005633.4 (MANE Select); coding-DNA position 3502, C replaced by G.
Protein change: p.Pro1168Ala; replaces proline 1168 with alanine.
Molecular consequence: missense variant.
Genome position (GRCh38, 1-based): chr2:38,987,481, G>C on the plus strand (C>G on the coding strand, the complement: SOS1 is on the minus strand). VCF-style: chr2-38987481-G-C. GRCh37 (hg19) VCF-style: chr2-39214622-G-C.
Other names: c.3481C>G, p.Pro1161Ala (NM_001382394.1); c.3457C>G, p.Pro1153Ala (NM_001382395.1); short protein forms P1168A, P1161A, P1153A.
Identifiers: ClinVar variation 1472902 (VCV001472902.33), dbSNP rs756406841, ClinGen allele CA1624167.